The following is an entry in ClinVar:

NM_001852.4(COL9A2):c.918C>A (p.Asn306Lys)

Gene: COL9A2 (collagen type IX alpha 2 chain; minus strand). Cytogenetic location: 1p34.2.
Variant type: single nucleotide variant.
Coding change: c.918C>A on transcript NM_001852.4 (MANE Select); coding-DNA position 918, C replaced by A.
Protein change: p.Asn306Lys; replaces asparagine 306 with lysine.
Molecular consequence: missense variant.
Genome position (GRCh38, 1-based): chr1:40,307,739, G>T on the plus strand (C>A on the coding strand, the complement: COL9A2 is on the minus strand). VCF-style: chr1-40307739-G-T. GRCh37 (hg19) VCF-style: chr1-40773411-G-T.
Other names: short protein forms N306K.
Identifiers: ClinVar variation 2811072 (VCV002811072.3), dbSNP rs376991606, ClinGen allele CA339852679.

ClinVar aggregate classification (germline): Uncertain significance (1 of 4 stars; one submission).

Submission:

Labcorp Genetics (formerly Invitae), Labcorp
Classification: Uncertain significance. Last evaluated: 2023-05-30. Review status: criteria provided, single submitter. Criteria: Invitae Variant Classification Sherloc (09022015). Collection method: clinical testing. Allele origin: germline.
Comment: Advanced modeling of protein sequence and biophysical properties (such as structural, functional, and spatial information, amino acid conservation, physicochemical variation, residue mobility, and thermodynamic stability) performed at Invitae indicates that this missense variant is not expected to disrupt COL9A2 protein function. In summary, the available evidence is currently insufficient to determine the role of this variant in disease. Therefore, it has been classified as a Variant of Uncertain Significance. This variant has not been reported in the literature in individuals affected with COL9A2-related conditions. This sequence change replaces asparagine, which is neutral and polar, with lysine, which is basic and polar, at codon 306 of the COL9A2 protein (p.Asn306Lys). This variant is not present in population databases (gnomAD no frequency).